The following is an entry in ClinVar:

ClinVar aggregate classification (germline): Conflicting classifications of pathogenicity. Review status: criteria provided, conflicting classifications (1 of 4 stars). 5 submissions from 5 submitters: Uncertain significance (4); Benign (1). Last evaluated 2026-01-19.

Conditions:
Inborn genetic diseases. Identifiers: MedGen C0950123, MeSH D030342.

Allele frequency attached by ClinVar (database versions not stated): ExAC 0.00010; gnomAD exomes 0.00019; TOPMed 0.00019.
gnomAD v4.1: 764 of 1,550,296 alleles (0.049%); highest among the groups gnomAD compares: Non-Finnish European, 0.065%; no homozygotes.

Submissions (5):

Labcorp Genetics (formerly Invitae), Labcorp
Classification: Benign. Last evaluated: 2026-01-19. Review status: criteria provided, single submitter. Criteria: Invitae Variant Classification Sherloc (09022015). Collection method: clinical testing. Allele origin: germline.

Ambry Genetics
Classification: Uncertain significance for Inborn genetic diseases. Last evaluated: 2025-01-15. Review status: criteria provided, single submitter. Criteria: Ambry Variant Classification Scheme 2023. Collection method: clinical testing. Allele origin: germline.

Blueprint Genetics
Classification: Uncertain significance. Last evaluated: 2024-10-10. Review status: criteria provided, single submitter. Criteria: ACMG Guidelines, 2015. Collection method: clinical testing. Allele origin: germline.

Revvity Omics, Revvity
Classification: Uncertain significance. Last evaluated: 2024-07-01. Review status: criteria provided, single submitter. Criteria: ACMG Guidelines, 2015. Collection method: clinical testing. Allele origin: germline.

Women's Health and Genetics/Laboratory Corporation of America, LabCorp
Classification: Uncertain significance. Last evaluated: 2021-11-06. Review status: criteria provided, single submitter. Criteria: LabCorp Variant Classification Summary - May 2015. Collection method: clinical testing. Allele origin: germline.
Comment: Variant summary: FAM38A c.3922C>G (p.Leu1308Val) results in a conservative amino acid change located in the Piezo domain (IPR031805) of the encoded protein sequence. Three of five in-silico tools predict a benign effect of the variant on protein function. The variant allele was found at a frequency of 0.00022 in 185654 control chromosomes. This frequency is not significantly higher than estimated for a pathogenic variant in autosomal dominant FAM38A causing Dehydrated Hereditary Stomatocytosis With Or Without Pseudohyperkalemia And/or Perinatal Edema, allowing no conclusion about variant significance. To our knowledge, no occurrence of c.3922C>G in individuals affected with "Dehydrated Hereditary Stomatocytosis With Or Without Pseudohyperkalemia And/or Perinatal Edema" and no experimental evidence demonstrating its impact on protein function have been reported. No clinical diagnostic laboratories have submitted clinical-significance assessments for this variant to ClinVar after 2014. Based on the evidence outlined above, the variant was classified as uncertain significance.

NM_001142864.4(PIEZO1):c.3922C>G (p.Leu1308Val)

Gene: PIEZO1 (piezo type mechanosensitive ion channel component 1 (Er blood group); minus strand). Cytogenetic location: 16q24.3.
Variant type: single nucleotide variant.
Coding change: c.3922C>G on transcript NM_001142864.4 (MANE Select); coding-DNA position 3922, C replaced by G.
Protein change: p.Leu1308Val; replaces leucine 1308 with valine.
Molecular consequence: missense variant.
Genome position (GRCh38, 1-based): chr16:88,726,330, G>C on the plus strand (C>G on the coding strand, the complement: PIEZO1 is on the minus strand). VCF-style: chr16-88726330-G-C. GRCh37 (hg19) VCF-style: chr16-88792738-G-C.
Other names: c.3922C>G (NM_001142864.2); short protein forms L1308V.
Identifiers: ClinVar variation 1331502 (VCV001331502.10), dbSNP rs532112751, ClinGen allele CA8232312.
Genomic context (GRCh38, chr16:88,726,330, plus strand): 5'-GGGCCCAAGCTTGCCTGGAGGCTAGCAGGGCGGTGGCCTGGAGGTCGGCCCTGACGTGCA[G>C]GTAGTAATGGCTAAGGAAGACGCGGCGCTGCAGCAGCAGGAAGAAGAAGCAGACGCTGTC-3'
Protein context (NP_001136336.2, residues 1298-1318): QRRVFLSHYY[Leu1308Val]HVRADLQATA